The following is an entry in ClinVar:

NM_004085.4(TIMM8A):c.280A>G (p.Ser94Gly)

Gene: TIMM8A (translocase of inner mitochondrial membrane 8A; minus strand). Cytogenetic location: Xq22.1.
Variant type: single nucleotide variant.
Coding change: c.280A>G on transcript NM_004085.4 (MANE Select); coding-DNA position 280, A replaced by G.
Protein change: p.Ser94Gly; replaces serine 94 with glycine.
Molecular consequence: missense variant. On other transcripts: 3 prime UTR variant (1).
Genome position (GRCh38, 1-based): chrX:101,346,513, T>C on the plus strand (A>G on the coding strand, the complement: TIMM8A is on the minus strand). VCF-style: chrX-101346513-T-C. GRCh37 (hg19) VCF-style: chrX-100601501-T-C.
Other names: c.*1874A>G (NM_001145951.2); short protein forms S94G.
Identifiers: ClinVar variation 4697861 (VCV004697861.1).
Genomic context (GRCh38, chrX:101,346,513, plus strand): 5'-TTCATTTCTTGAACTACCTTCCTTTTCCAAAGAGGTAATGCTGAGATCAGTCAGAAAGGC[T>C]TTCTGAGAAAACTGGCTTGGATTTCTGGGTCTGTTCCAGTCGATTCAAGATGAACTGGCT-3'
Protein context (NP_004076.1, residues 84-97): TQKSKPVFSE[Ser94Gly]LSD

ClinVar aggregate classification (germline): Uncertain significance (1 of 4 stars; one submission).

Submission:

Labcorp Genetics (formerly Invitae), Labcorp
Classification: Uncertain significance. Last evaluated: 2025-10-26. Review status: criteria provided, single submitter. Criteria: Invitae Variant Classification Sherloc (09022015). Collection method: clinical testing. Allele origin: germline.
Comment: This sequence change replaces serine, which is neutral and polar, with glycine, which is neutral and non-polar, at codon 94 of the TIMM8A protein (p.Ser94Gly). This variant is not present in population databases (gnomAD no frequency). This variant has not been reported in the literature in individuals affected with TIMM8A-related conditions. An algorithm developed to predict the effect of missense changes on protein structure and function (PolyPhen-2) suggests that this variant is likely to be tolerated. In summary, the available evidence is currently insufficient to determine the role of this variant in disease. Therefore, it has been classified as a Variant of Uncertain Significance.